The following is an entry in ClinVar:

NM_001042492.3(NF1):c.5038T>C (p.Tyr1680His)

Gene: NF1 (neurofibromin 1; plus strand). Cytogenetic location: 17q11.2.
Variant type: single nucleotide variant.
Coding change: c.5038T>C on transcript NM_001042492.3 (MANE Select); coding-DNA position 5038, T replaced by C.
Protein change: p.Tyr1680His; replaces tyrosine 1680 with histidine.
Molecular consequence: missense variant.
Genome position (GRCh38, 1-based): chr17:31,326,022, T>C. VCF-style: chr17-31326022-T-C. GRCh37 (hg19) VCF-style: chr17-29653040-T-C.
Other names: c.4975T>C, p.Tyr1659His (NM_000267.4); short protein forms Y1659H, Y1680H.
Identifiers: ClinVar variation 5025622 (VCV005025622.1).
Genomic context (GRCh38, chr17:31,326,022, plus strand): 5'-TCTAAGTGGTTTGTTGTTTTTCCTGGCTTTGCTTACGACAACGTCTCCGCAGTCTATATC[T>C]ATAACTGTAACTCCTGGGTCAGGGAGTACACCAAGTATCATGAGCGGCTGCTGACTGGCC-3'
Protein context (NP_001035957.1, residues 1670-1690): AYDNVSAVYI[Tyr1680His]NCNSWVREYT

ClinVar aggregate classification (germline): Uncertain significance (1 of 4 stars; one submission).

Conditions:
Cardiovascular phenotype. Identifiers: MedGen CN230736.
Hereditary cancer-predisposing syndrome. Also called: Neoplastic Syndromes, Hereditary; Tumor predisposition; Hereditary neoplastic syndrome; Hereditary Cancer Syndrome. Identifiers: Orphanet 140162, MedGen C0027672, MeSH D009386, MONDO:0015356.

Submission:

Ambry Genetics
Classification: Uncertain significance for Cardiovascular phenotype; Hereditary cancer-predisposing syndrome. Last evaluated: 2026-08-12. Review status: criteria provided, single submitter. Criteria: Ambry Variant Classification Scheme 2023. Collection method: clinical testing. Allele origin: germline.
Comment: The p.Y1659H variant (also known as c.4975T>C), located in coding exon 36 of the NF1 gene, results from a T to C substitution at nucleotide position 4975. The tyrosine at codon 1659 is replaced by histidine, an amino acid with similar properties. This amino acid position is conserved. In addition, this alteration is predicted to be deleterious by in silico analysis. Based on the available evidence, the clinical significance of this variant remains unclear.